The following is an entry in ClinVar:

ClinVar aggregate classification (germline): Uncertain significance. Review status: criteria provided, multiple submitters, no conflicts (2 of 4 stars). 3 submissions from 3 submitters: Uncertain significance (2). 1 of the submissions does not count toward it. Last evaluated 2025-08-22.

Conditions:
Early-infantile DEE. Also called: Ohtahara syndrome; Early infantile epileptic encephalopathy; Early infantile epileptic encephalopathy with suppression bursts. Identifiers: Orphanet 1934, MedGen C0393706, MONDO:0800491.
SPTAN1-related disorder. Also called: SPTAN1-related condition; SPTAN1-related disorders.

Allele frequency attached by ClinVar (database versions not stated): TOPMed 0.00001; gnomAD 0.00002; gnomAD exomes 0.00002; ExAC 0.00003.
gnomAD v4.1: 17 of 1,614,138 alleles (0.0011%); highest among the groups gnomAD compares: Non-Finnish European, 0.0014%; no homozygotes.

Submissions (3):

Labcorp Genetics (formerly Invitae), Labcorp
Classification: Uncertain significance for Early-infantile DEE. Last evaluated: 2025-08-22. Review status: criteria provided, single submitter. Criteria: Invitae Variant Classification Sherloc (09022015). Collection method: clinical testing. Allele origin: germline.
Comment: This sequence change falls in intron 36 of the SPTAN1 gene. It does not directly change the encoded amino acid sequence of the SPTAN1 protein. It affects a nucleotide within the consensus splice site. The frequency data for this variant in the population databases is considered unreliable, as metrics indicate poor data quality at this position in the gnomAD database. This variant has not been reported in the literature in individuals affected with SPTAN1-related conditions. ClinVar contains an entry for this variant (Variation ID: 565751). Variants that disrupt the consensus splice site are a relatively common cause of aberrant splicing (PMID: 17576681, 9536098). Algorithms developed to predict the effect of sequence changes on RNA splicing suggest that this variant is not likely to affect RNA splicing. In summary, the available evidence is currently insufficient to determine the role of this variant in disease. Therefore, it has been classified as a Variant of Uncertain Significance.

Women's Health and Genetics/Laboratory Corporation of America, LabCorp
Classification: Uncertain significance. Last evaluated: 2024-03-13. Review status: criteria provided, single submitter. Criteria: LabCorp Variant Classification Summary - May 2015. Collection method: clinical testing. Allele origin: germline.
Comment: Variant summary: SPTAN1 c.4758+3A>C alters a conserved nucleotide located close to a canonical splice site and therefore could affect mRNA splicing, leading to a significantly altered protein sequence. Several computational tools predict a significant impact on normal splicing: Three predict the variant weakens a canonical 5' donor site. One predict the variant abolishes a canonical 5' splicing donor site. However, these predictions have yet to be confirmed by functional studies. The variant allele was found at a frequency of 2e-05 in 251444 control chromosomes (gnomAD). The available data on variant occurrences in the general population are insufficient to allow any conclusion about variant significance. To our knowledge, no occurrence of c.4758+3A>C in individuals affected with Epileptic Encephalopathy, Early Infantile, 5 and no experimental evidence demonstrating its impact on protein function have been reported. ClinVar contains an entry for this variant (Variation ID: 565751). Based on the evidence outlined above, the variant was classified as uncertain significance.

PreventionGenetics, part of Exact Sciences
Classification: Likely benign for SPTAN1-related condition. Last evaluated: 2024-01-03. Review status: no assertion criteria provided. Collection method: clinical testing. Allele origin: germline. Not counted in ClinVar's aggregate classification.
Comment: This variant is classified as likely benign based on ACMG/AMP sequence variant interpretation guidelines (Richards et al. 2015 PMID: 25741868, with internal and published modifications).

Literature cited by the submitters: PubMed 17576681 (cited by Labcorp Genetics (formerly Invitae), Labcorp); PubMed 9536098 (cited by Labcorp Genetics (formerly Invitae), Labcorp).

NM_001130438.3(SPTAN1):c.4758+3A>C

Gene: SPTAN1 (spectrin alpha, non-erythrocytic 1; plus strand). Cytogenetic location: 9q34.11.
Variant type: single nucleotide variant.
Coding change: c.4758+3A>C on transcript NM_001130438.3 (MANE Select); 3 bases into the intron after coding-DNA position 4758, A replaced by C.
Molecular consequence: intron variant.
Genome position (GRCh38, 1-based): chr9:128,609,287, A>C. VCF-style: chr9-128609287-A-C. GRCh37 (hg19) VCF-style: chr9-131371566-A-C.
Other names: c.4758+3A>C (NM_001363759.2, NM_003127.4); c.4698+3A>C (NM_001363765.2, NM_001195532.2).
Identifiers: ClinVar variation 565751 (VCV000565751.10), dbSNP rs774108521, ClinGen allele CA5265265.